The following is an entry in ClinVar:

ClinVar aggregate classification (germline): Pathogenic/Likely pathogenic. Review status: criteria provided, multiple submitters, no conflicts (2 of 4 stars). 3 submissions from 3 submitters: Pathogenic (1); Likely pathogenic (1). 1 of the submissions does not count toward it. Last evaluated 2024-10-02.

Conditions:
Argininosuccinate lyase deficiency. Also called: ARGININOSUCCINIC ACID LYASE DEFICIENCY; ASL DEFICIENCY; Argininosuccinic aciduria. Identifiers: Orphanet 23, MedGen C0268547, MONDO:0008815, OMIM 207900, HP:0025630.

Submissions (3):

Natera, Inc.
Classification: Likely pathogenic for Argininosuccinate lyase deficiency. Last evaluated: 2024-10-02. Review status: criteria provided, single submitter. Criteria: Natera Variant Classification Schema (03/2026). Collection method: clinical testing. Allele origin: germline.
Comment: The c.1207delG variant in ASL is a frameshift variant predicted to shift the reading frame beginning at codon 403 and leads to a stop codon 22 codons downstream. This variant is expected to result in nonsense mediated decay, truncation, or a dysfunctional protein product. This variant is rare in the general population with a frequency below the threshold expected for the associated phenotype(s). Given the available evidence, this variant is classified as Likely Pathogenic.

Institute of Human Genetics, University of Leipzig Medical Center
Classification: Pathogenic for Argininosuccinate lyase deficiency. Last evaluated: 2023-05-15. Review status: criteria provided, single submitter. Criteria: ACMG Guidelines, 2015. Collection method: clinical testing. Allele origin: maternal. Inheritance: Autosomal recessive inheritance. Affected: yes.
Comment: Criteria applied: PVS1,PP4_MOD,PM2_SUP

Counsyl
Classification: Likely pathogenic for Argininosuccinate lyase deficiency. Last evaluated: 2017-06-09. Review status: no assertion criteria provided. Collection method: clinical testing. Allele origin: unknown. Not counted in ClinVar's aggregate classification.

NM_000048.4(ASL):c.1207del (p.Val403fs)

Gene: ASL (argininosuccinate lyase; plus strand). Cytogenetic location: 7q11.21.
Variant type: Deletion.
Coding change: c.1207del on transcript NM_000048.4 (MANE Select); coding-DNA position 1207, one base deleted (G; older notation c.1207delG).
Protein change: p.Val403fs; shifts the reading frame from valine 403.
Molecular consequence: frameshift variant.
Genome position (GRCh38, 1-based): chr7:66,092,620, G deleted; the last of 5 consecutive G bases (chr7:66,092,616-66,092,620); deleting any one gives the same sequence. VCF-style (leftmost placement, unchanged base first): chr7-66092615-AG-A. GRCh37 (hg19) VCF-style: chr7-65557602-AG-A.
Other names: c.1207del, p.Val403fs (NM_001024943.2); c.1147del, p.Val383fs (NM_001024944.2); c.1129del, p.Val377fs (NM_001024946.2); c.1207delG (NM_000048.3); short protein forms V377fs, V383fs, V403fs.
Identifiers: ClinVar variation 552410 (VCV000552410.6), dbSNP rs1554328363, ClinGen allele CA658821789.
Genomic context (GRCh38, chr7:66,092,615, plus strand): 5'-AGATGCCATTCCGCCAGGCCCACGAGGCCTCCGGGAAAGCTGTGTTCATGGCCGAGACCA[AG>A]GGGGTCGCCCTCAACCAGCTGTCACTGCAGGAGCTGCAGACCATCAGGTACGGCCCATCC-3'